The following is an entry in ClinVar:

ClinVar aggregate classification (germline): Pathogenic (1 of 4 stars; one submission).

Conditions:
Familial cancer of breast. Also called: hereditary breast carcinoma; BREAST CANCER, FAMILIAL; Hereditary breast cancer. Identifiers: Orphanet 227535, MedGen C0346153, MONDO:0016419, OMIM 114480. Disease mechanism: loss of function.

Submission:

Myriad Genetics, Inc.
Classification: Pathogenic for Familial cancer of breast. Last evaluated: 2024-02-01. Review status: criteria provided, single submitter. Criteria: Myriad Autosomal Dominant, Autosomal Recessive and X-Linked Classification Criteria (2023). Collection method: clinical testing. Allele origin: unknown.
Comment: This variant is considered pathogenic. This variant creates a frameshift predicted to result in premature protein truncation.

NM_000051.4(ATM):c.8051del (p.Gln2684fs)

Genes: ATM (ATM serine/threonine kinase; plus strand), C11orf65 (chromosome 11 open reading frame 65; minus strand). Cytogenetic location: 11q22.3.
Variant type: Deletion.
Coding change: c.8051del on transcript NM_000051.4 (MANE Select); coding-DNA position 8051, one base deleted (A; older notation c.8051delA).
Protein change: p.Gln2684fs; shifts the reading frame from glutamine 2684.
Molecular consequence: frameshift variant. On other transcripts: intron variant (2).
Genome position (GRCh38, 1-based): chr11:108,335,009, A deleted. VCF-style (leftmost placement, unchanged base first): chr11-108335008-CA-C. GRCh37 (hg19) VCF-style: chr11-108205735-CA-C.
Other names: c.8051del, p.Gln2684fs (NM_001351834.2); c.641-25938del (NM_001330368.2); c.*38+211del (NM_001351110.2); short protein forms Q2684fs.
Identifiers: ClinVar variation 3148577 (VCV003148577.1), dbSNP rs2547329404, ClinGen allele CA2825001956.
Genomic context (GRCh38, chr11:108,335,008, plus strand): 5'-TCATGTTTATACTTTTATTAGGTGGACCACACAGGAGAATATGGAAATCTGGTGACTATA[CA>C]GTCATTTAAAGCAGAATTTCGCTTAGCAGGAGGTGTAAATTTACCAAAAATAATAGATTG-3'